The following is an entry in ClinVar:

NM_002608.4(PDGFB):c.445C>T (p.Arg149Ter)

Gene: PDGFB (platelet derived growth factor subunit B; minus strand). Cytogenetic location: 22q13.1.
Variant type: single nucleotide variant.
Coding change: c.445C>T on transcript NM_002608.4 (MANE Select); coding-DNA position 445, C replaced by T.
Protein change: p.Arg149Ter; replaces arginine 149 with a stop codon.
Molecular consequence: nonsense.
Genome position (GRCh38, 1-based): chr22:39,231,633, G>A on the plus strand (C>T on the coding strand, the complement: PDGFB is on the minus strand). VCF-style: chr22-39231633-G-A. GRCh37 (hg19) VCF-style: chr22-39627638-G-A.
Other names: c.400C>T, p.Arg134Ter (NM_033016.3); c.445C>T (NM_002608.2, NM_002608.3); short protein forms R149*, R134*.
Identifiers: ClinVar variation 75243 (VCV000075243.11), dbSNP rs397515633, ClinGen allele CA145265.
Genomic context (GRCh38, chr22:39,231,633, plus strand): 5'-CTCCACCCACCACCGGGACCAGCCTCGGGGGGCCGCGGAGCCTACGCACCTGGACAGGTC[G>A]CAGCTGCACCTGGGTGGGGCGGCACTGCACGTTGCGGTTGTTGCAGCAGCCGGAGCAGCG-3'

ClinVar aggregate classification (germline): Pathogenic. Review status: criteria provided, multiple submitters, no conflicts (2 of 4 stars). 7 submissions from 7 submitters: Pathogenic (6). 1 of the submissions does not count toward it. Last evaluated 2025-07-29.

Conditions:
PDGFB-related disorder. Also called: PDGFB-related condition.
Basal ganglia calcification, idiopathic, 5. Also called: PRIMARY FAMILIAL BRAIN CALCIFICATION 5, AUTOSOMAL DOMINANT. Identifiers: Orphanet 1980, MedGen C3809645, MONDO:0014204, OMIM 615483.

Submissions (7):

PreventionGenetics, part of Exact Sciences
Classification: Pathogenic for PDGFB-related condition. Last evaluated: 2025-07-29. Review status: criteria provided, single submitter. Criteria: ACMG Guidelines, 2015. Collection method: clinical testing. Allele origin: germline.
Comment: The PDGFB c.445C>T variant is predicted to result in premature protein termination (p.Arg149*). This variant has been reported in multiple individuals and segregated in multiple families with brain calcifications (Keller et al. 2013. PubMed ID: 23913003; Hayashi et al. 2014. PubMed ID: 25211641; Ramos et al. 2018. PubMed ID: 29955172). This variant has not been reported in a large population database (gnomAD), indicating this variant is rare. Nonsense variants in PDGFB are expected to be pathogenic. This variant is interpreted as pathogenic.

Labcorp Genetics (formerly Invitae), Labcorp
Classification: Pathogenic. Last evaluated: 2025-07-21. Review status: criteria provided, single submitter. Criteria: Invitae Variant Classification Sherloc (09022015). Collection method: clinical testing. Allele origin: germline.
Comment: This sequence change creates a premature translational stop signal (p.Arg149*) in the PDGFB gene. It is expected to result in an absent or disrupted protein product. Loss-of-function variants in PDGFB are known to be pathogenic (PMID: 23913003, 26599395). This variant is not present in population databases (gnomAD no frequency). This premature translational stop signal has been observed in individual(s) with brain calcification (PMID: 23913003). ClinVar contains an entry for this variant (Variation ID: 75243). For these reasons, this variant has been classified as Pathogenic.

Women's Health and Genetics/Laboratory Corporation of America, LabCorp
Classification: Pathogenic for Basal ganglia calcification, idiopathic, 5. Last evaluated: 2024-07-18. Review status: criteria provided, single submitter. Criteria: LabCorp Variant Classification Summary - May 2015. Collection method: clinical testing. Allele origin: germline.
Comment: Variant summary: PDGFB c.445C>T (p.Arg149X) results in a premature termination codon, predicted to cause a truncation of the encoded protein or absence of the protein due to nonsense mediated decay, which are commonly known mechanisms for disease. The frequency data for this variant in gnomAD is considered unreliable, as metrics indicate poor data quality at this position. c.445C>T has been reported in the literature as heterozygous genotype in multiple individuals affected with Basal Ganglia Calcification, Idiopathic, 5 and there is strong segregation in at least two families (Keller_2013, Hayashi_2015). These data indicate that the variant is very likely to be associated with disease. To our knowledge, no experimental evidence demonstrating an impact on protein function has been reported. The following publications have been ascertained in the context of this evaluation (PMID: 25211641, 23913003, 29955172, 26599395). ClinVar contains an entry for this variant (Variation ID: 75243). Based on the evidence outlined above, the variant was classified as pathogenic.

GeneDx
Classification: Pathogenic. Last evaluated: 2022-08-16. Review status: criteria provided, single submitter. Criteria: GeneDx Variant Classification Process June 2021. Collection method: clinical testing. Allele origin: germline. Affected: yes.
Comment: Identified in at least one French family with idiopathic basal ganglia calcification (Keller et al., 2013; Ramos et al., 2018); Nonsense variant predicted to result in protein truncation or nonsense mediated decay in a gene for which loss of function is a known mechanism of disease; Not observed at significant frequency in large population cohorts (gnomAD); This variant is associated with the following publications: (PMID: 31921681, 23913003, 25211641, 26599395, 29955172)

Molecular Genetics, Royal Melbourne Hospital
Classification: Pathogenic for Basal ganglia calcification, idiopathic, 5. Last evaluated: 2022-02-04. Review status: criteria provided, single submitter. Criteria: ACMG Guidelines, 2015. Collection method: clinical testing. Allele origin: germline. Affected: yes.
Comment: This sequence change in PDGFB is a nonsense variant predicted to cause a premature stop codon, p.(Arg149*), in biologically-relevant-exon 4/7 leading to nonsense mediated decay in a gene in which loss-of-function is an established disease mechanism (PMID: 20301594). This variant is absent from gnomAD v2.1 and v3.1. The variant has been reported to segregate with primary familial brain calcification in at least two familes, and has been identified as a de novo occurrence with unconfirmed parental relationships in one of these families (PMID: 20301594, 25211641). Based on the classification scheme RMH Modified ACMG Guidelines v1.5.1, this variant is classified as PATHOGENIC. Following criteria are met: PVS1, PP1_Strong, PM2_Supporting.

Blueprint Genetics
Classification: Pathogenic for PDGFB-related disorders. Last evaluated: 2021-03-25. Review status: criteria provided, single submitter. Criteria: ACMG Guidelines, 2015. Collection method: clinical testing. Allele origin: germline. Affected: yes. Observed: 1 variant allele.

OMIM
Classification: Pathogenic for PRIMARY FAMILIAL BRAIN CALCIFICATION 5, AUTOSOMAL DOMINANT. Last evaluated: 2026-11-13. Review status: no assertion criteria provided. Collection method: literature only. Allele origin: germline. Not counted in ClinVar's aggregate classification.

Literature cited by the submitters: PubMed 23913003 (cited by Labcorp Genetics (formerly Invitae), Labcorp and Women's Health and Genetics/Laboratory Corporation of America, LabCorp); PubMed 26599395 (cited by Labcorp Genetics (formerly Invitae), Labcorp and Women's Health and Genetics/Laboratory Corporation of America, LabCorp); PubMed 29955172 (cited by Women's Health and Genetics/Laboratory Corporation of America, LabCorp); PubMed 25211641 (cited by 3 submitters); PubMed 20301594 (cited by Molecular Genetics, Royal Melbourne Hospital); Keller, A. Personal Communication. 2013. Zurich, Switzerland (cited by OMIM).